The following is an entry in ClinVar:

ClinVar aggregate classification (germline): Pathogenic (1 of 4 stars; one submission).

Conditions:
Bohring-Opitz syndrome. Also called: C-LIKE SYNDROME; BOHRING SYNDROME; OPITZ TRIGONOCEPHALY-LIKE SYNDROME; ASXL1-Related Bohring-Opitz Syndrome. Identifiers: Orphanet 97297, MedGen C0796232, MONDO:0011510, OMIM 605039.

Submission:

Women's Health and Genetics/Laboratory Corporation of America, LabCorp
Classification: Pathogenic for Bohring-Opitz syndrome. Last evaluated: 2025-03-31. Review status: criteria provided, single submitter. Criteria: LabCorp Variant Classification Summary - May 2015. Collection method: clinical testing. Allele origin: germline.
Comment: Variant summary: ASXL1 c.1636C>T (p.Gln546X) results in a premature termination codon, predicted to cause a truncation of the encoded protein or absence of the protein due to nonsense mediated decay, which are commonly known mechanisms for disease. The variant allele was found at a frequency of 8e-06 in 251266 control chromosomes. To our knowledge, no occurrence of c.1636C>T in individuals affected with Bohring-Opitz Syndrome and no experimental evidence demonstrating its impact on protein function have been reported. No submitters have cited clinical-significance assessments for this variant to ClinVar. Based on the evidence outlined above, the variant was classified as pathogenic.

Literature cited by the submitters: PubMed 22489043; PubMed 24442206; PubMed 24458439; PubMed 25652455; PubMed 24695057; PubMed 23018865; PubMed 21881046; PubMed 23619563; PubMed 20880116; PubMed 23690417; PubMed 22031865; PubMed 25596267; PubMed 22058207; PubMed 24496303; PubMed 21576631; PubMed 24255920; PubMed 27895058; PubMed 27276561.

NM_015338.6(ASXL1):c.1636C>T (p.Gln546Ter)

Gene: ASXL1 (ASXL transcriptional regulator 1; plus strand). Cytogenetic location: 20q11.21.
Variant type: single nucleotide variant.
Coding change: c.1636C>T on transcript NM_015338.6 (MANE Select); coding-DNA position 1636, C replaced by T.
Protein change: p.Gln546Ter; replaces glutamine 546 with a stop codon.
Molecular consequence: nonsense.
Genome position (GRCh38, 1-based): chr20:32,433,834, C>T. VCF-style: chr20-32433834-C-T. GRCh37 (hg19) VCF-style: chr20-31021637-C-T.
Other names: c.1453C>T, p.Gln485Ter (NM_001363734.1); short protein forms Q485*, Q546*.
Identifiers: ClinVar variation 3895921 (VCV003895921.1).